The following is an entry in ClinVar:

ClinVar aggregate classification (germline): Uncertain significance. Review status: criteria provided, multiple submitters, no conflicts (2 of 4 stars). 2 submissions from 2 submitters: Uncertain significance (2). Last evaluated 2022-08-16.

Conditions:
Inborn genetic diseases. Identifiers: MedGen C0950123, MeSH D030342.
Neuronal ceroid lipofuscinosis 7 (CLN7). Also called: MFSD8-Related Neuronal Ceroid-Lipofuscinosis. Identifiers: Orphanet 168491, Orphanet 228366, MedGen C1838571, MONDO:0012588, OMIM 610951.

gnomAD v4.1: 3 of 1,614,130 alleles (0.00019%); highest among the groups gnomAD compares: South Asian, 0.0033%; no homozygotes.

Submissions (2):

Labcorp Genetics (formerly Invitae), Labcorp
Classification: Uncertain significance for Neuronal ceroid lipofuscinosis 7. Last evaluated: 2022-08-16. Review status: criteria provided, single submitter. Criteria: Invitae Variant Classification Sherloc (09022015). Collection method: clinical testing. Allele origin: germline.
Comment: This sequence change replaces valine, which is neutral and non-polar, with phenylalanine, which is neutral and non-polar, at codon 79 of the MFSD8 protein (p.Val79Phe). This variant is present in population databases (rs749244700, gnomAD 0.006%). This variant has not been reported in the literature in individuals affected with MFSD8-related conditions. ClinVar contains an entry for this variant (Variation ID: 589239). Algorithms developed to predict the effect of missense changes on protein structure and function are either unavailable or do not agree on the potential impact of this missense change (SIFT: "Deleterious"; PolyPhen-2: "Possibly Damaging"; Align-GVGD: "Class C0"). In summary, the available evidence is currently insufficient to determine the role of this variant in disease. Therefore, it has been classified as a Variant of Uncertain Significance.

Ambry Genetics
Classification: Uncertain significance for Inborn genetic diseases. Last evaluated: 2016-04-11. Review status: criteria provided, single submitter. Criteria: Ambry Variant Classification Scheme 2023. Collection method: clinical testing. Allele origin: germline.
Comment: The p.V79F variant (also known as c.235G>T), located in coding exon 4 of the MFSD8 gene, results from a G to T substitution at nucleotide position 235. The valine at codon 79 is replaced by phenylalanine, an amino acid with highly similar properties. This variant was not reported in population based cohorts in the following databases: Database of Single Nucleotide Polymorphisms (dbSNP), NHLBI Exome Sequencing Project (ESP), and 1000 Genomes Project. In the ESP, this variant was not observed in 6503 samples (13006 alleles) with coverage at this position. This amino acid position is not well conserved in available vertebrate species. In addition, the in silico prediction for this alteration is inconclusive. Since supporting evidence is limited at this time, the clinical significance of this variant remains unclear.

NM_001371596.2(MFSD8):c.235G>T (p.Val79Phe)

Gene: MFSD8 (major facilitator superfamily domain containing 8; minus strand). Cytogenetic location: 4q28.2.
Variant type: single nucleotide variant.
Coding change: c.235G>T on transcript NM_001371596.2 (MANE Select); coding-DNA position 235, G replaced by T.
Protein change: p.Val79Phe; replaces valine 79 with phenylalanine.
Molecular consequence: missense variant.
Genome position (GRCh38, 1-based): chr4:127,943,956, C>A on the plus strand (G>T on the coding strand, the complement: MFSD8 is on the minus strand). VCF-style: chr4-127943956-C-A. GRCh37 (hg19) VCF-style: chr4-128865111-C-A.
Other names: c.235G>T, p.Val79Phe (NM_001363520.3, NM_001363521.3, NM_001371591.2 and 5 more transcripts); c.100G>T, p.Val34Phe (NM_001371590.2, NM_001371595.1, NM_001410765.1); short protein forms V79F, V34F.
Identifiers: ClinVar variation 589239 (VCV000589239.9), dbSNP rs749244700, ClinGen allele CA3077510.